The following is an entry in ClinVar:

ClinVar aggregate classification (germline): Likely pathogenic (1 of 4 stars; one submission).

Conditions:
Brachydactyly type A1. Also called: FARABEE-TYPE BRACHYDACTYLY; SHORT STATURE WITH NONSPECIFIC SKELETAL ABNORMALITIES 2. Identifiers: Orphanet 93388, MedGen C1862151, MONDO:0007215, OMIM 112500, HP:0009371.

Submission:

Variantyx, Inc.
Classification: Likely pathogenic for Brachydactyly type A1. Last evaluated: 2025-08-18. Review status: criteria provided, single submitter. Criteria: Variantyx Assertion Criteria 2022. Collection method: clinical testing. Allele origin: de novo. Inheritance: Autosomal dominant inheritance. Affected: yes.
Comment: This is a nonsynonymous variant in the IHH gene (OMIM: 600726). Pathogenic variants in this gene have been associated with autosomal dominant brachydactyly, type A1. The alteration lies within a known hotspot for pathogenic variants or a well-established critical functional domain of the IHH protein (PMID: 19277064) (PM1). Multiple computational algorithms predict a deleterious effect for this variant (REVEL score: 0.979) (PP3). This variant is absent from control populations (PM2). Based on the current evidence, this variant is classified as likely pathogenic for autosomal dominant brachydactyly type A1.

Literature cited by the submitters: PubMed 19277064.

NM_002181.4(IHH):c.443G>A (p.Gly148Asp)

Gene: IHH (Indian hedgehog signaling molecule; minus strand). Cytogenetic location: 2q35.
Variant type: single nucleotide variant.
Coding change: c.443G>A on transcript NM_002181.4 (MANE Select); coding-DNA position 443, G replaced by A.
Protein change: p.Gly148Asp; replaces glycine 148 with aspartic acid.
Molecular consequence: missense variant.
Genome position (GRCh38, 1-based): chr2:219,057,567, C>T on the plus strand (G>A on the coding strand, the complement: IHH is on the minus strand). VCF-style: chr2-219057567-C-T. GRCh37 (hg19) VCF-style: chr2-219922289-C-T.
Other names: short protein forms G148D.
Identifiers: ClinVar variation 4852195 (VCV004852195.1).